The following is an entry in ClinVar:

NM_004382.5(CRHR1):c.1171G>A (p.Val391Met)

Genes: CRHR1 (corticotropin releasing hormone receptor 1), LINC02210-CRHR1 (LINC02210-CRHR1 readthrough). Cytogenetic location: 17q21.31.
Variant type: single nucleotide variant.
Coding change: c.1171G>A on transcript NM_004382.5 (MANE Select); coding-DNA position 1171, G replaced by A.
Protein change: p.Val391Met; replaces valine 391 with methionine.
Molecular consequence: missense variant. On other transcripts: synonymous variant (1).
Genome position (GRCh38, 1-based): chr17:45,834,687, G>A. VCF-style: chr17-45834687-G-A. GRCh37 (hg19) VCF-style: chr17-43912053-G-A.
Other names: c.646G>A, p.Val216Met (NM_001256299.3, NM_001303018.2); c.732G>A, p.Glu244= (NM_001303016.1); c.1258G>A, p.Val420Met (NM_001145146.2); c.1051G>A, p.Val351Met (NM_001145147.2); c.1129G>A, p.Val377Met (NM_001145148.2); c.868G>A, p.Val290Met (NM_001303020.2); short protein forms V216M, V290M, V351M, V377M, V391M, V420M.
Identifiers: ClinVar variation 2647849 (VCV002647849.24), dbSNP rs61732578, ClinGen allele CA8616951.
Genomic context (GRCh38, chr17:45,834,687, plus strand): 5'-CGTTCTGCCATCCGGAAGAGGTGGCACCGGTGGCAGGACAAGCACTCGATCCGTGCCCGA[G>A]TGGCCCGTGCCATGTCCATCCCCACCTCCCCAACCCGTGTCAGCTTTCACAGCATCAAGC-3'
Protein context (NP_004373.2, residues 381-401): WQDKHSIRAR[Val391Met]ARAMSIPTSP

ClinVar aggregate classification (germline): Benign (1 of 4 stars; one submission).

Allele frequency attached by ClinVar (database versions not stated): gnomAD exomes 0.00012; ExAC 0.00048; gnomAD 0.00168; 1000 Genomes Project 30x 0.00172; 1000 Genomes Project 0.00180; TOPMed 0.00193; ESP Exome Variant Server 0.00223.
gnomAD v4.1: 433 of 1,613,678 alleles (0.027%); highest among the groups gnomAD compares: African/African-American, 0.55%; no homozygotes.

Submission:

CeGaT Center for Human Genetics Tuebingen
Classification: Benign. Last evaluated: 2023-09-01. Review status: criteria provided, single submitter. Criteria: CeGaT Center For Human Genetics Tuebingen Variant Classification Criteria Version 2. Collection method: clinical testing. Allele origin: germline. Affected: yes. Observed: 1 variant allele.
Comment: CRHR1: BS1, BS2